The following is an entry in ClinVar:

ClinVar aggregate classification (germline): Pathogenic (1 of 4 stars; one submission).

Conditions:
Baller-Gerold syndrome (BGS). Also called: CRANIOSYNOSTOSIS WITH RADIAL DEFECTS. Identifiers: Orphanet 1225, MedGen C0265308, MONDO:0009039, OMIM 218600.

Submission:

Labcorp Genetics (formerly Invitae), Labcorp
Classification: Pathogenic for Baller-Gerold syndrome. Last evaluated: 2019-10-13. Review status: criteria provided, single submitter. Criteria: Invitae Variant Classification Sherloc (09022015). Collection method: clinical testing. Allele origin: germline.
Comment: This sequence change creates a premature translational stop signal (p.Gly1105Leufs*2) in the RECQL4 gene. It is expected to result in an absent or disrupted protein product. This variant is not present in population databases (ExAC no frequency). This variant has not been reported in the literature in individuals with RECQL4-related conditions. Loss-of-function variants in RECQL4 are known to be pathogenic (PMID: 12734318, 12952869). For these reasons, this variant has been classified as Pathogenic.

Literature cited by the submitters: PubMed 12734318; PubMed 12952869.

NM_004260.4(RECQL4):c.3312_3319del (p.Gly1105fs)

Gene: RECQL4 (RecQ like helicase 4; minus strand). Cytogenetic location: 8q24.3.
Variant type: Deletion.
Coding change: c.3312_3319del on transcript NM_004260.4 (MANE Select); coding-DNA positions 3312 to 3319, 8 bases deleted (CGGCCGCT; older notation c.3312_3319delCGGCCGCT).
Protein change: p.Gly1105fs; shifts the reading frame from glycine 1105.
Molecular consequence: frameshift variant.
Genome position (GRCh38, 1-based): chr8:144,511,985-144,511,992, AGCGGCCG deleted on the plus strand (CGGCCGCT on the coding strand, the reverse complement: RECQL4 is on the minus strand); deleting any 8 consecutive bases within chr8:144,511,985-144,511,995 gives the same sequence; the c. name uses the placement nearest the transcript's 3' end. VCF-style (leftmost placement, unchanged base first): chr8-144511984-TAGCGGCCG-T. GRCh37 (hg19) VCF-style: chr8-145737367-TAGCGGCCG-T.
Other names: short protein forms G1105fs.
Identifiers: ClinVar variation 966618 (VCV000966618.2), dbSNP rs1827306118, ClinGen allele CA1139660819.
Genomic context (GRCh38, chr8:144,511,984, plus strand): 5'-GGCTCGGGGCCCTGTGCGTCCTCCATGCCTCCCGGCTCCTGCCCTTCCTCTTCCTCAAAG[TAGCGGCCG>T]AGCAGGTCCTTGAGCCTGGTGCTGCGCTCCTCATCCTGCTGCTCCAGGCAGGGCCCGCAG-3'